The following is an entry in ClinVar:

NM_032447.5(FBN3):c.2949C>G (p.Phe983Leu)

Gene: FBN3 (fibrillin 3; minus strand). Cytogenetic location: 19p13.2.
Variant type: single nucleotide variant.
Coding change: c.2949C>G on transcript NM_032447.5 (MANE Select); coding-DNA position 2949, C replaced by G.
Protein change: p.Phe983Leu; replaces phenylalanine 983 with leucine.
Molecular consequence: missense variant.
Genome position (GRCh38, 1-based): chr19:8,123,791, G>C on the plus strand (C>G on the coding strand, the complement: FBN3 is on the minus strand). VCF-style: chr19-8123791-G-C. GRCh37 (hg19) VCF-style: chr19-8188675-G-C.
Other names: c.2949C>G, p.Phe983Leu (NM_001321431.2); short protein forms F983L.
Identifiers: ClinVar variation 1978010 (VCV001978010.6), dbSNP rs754472253, ClinGen allele CA403693616.

ClinVar aggregate classification (germline): Uncertain significance. Review status: criteria provided, multiple submitters, no conflicts (2 of 4 stars). 2 submissions from 2 submitters: Uncertain significance (2). Last evaluated 2024-10-26.

gnomAD v4.1: 3 of 1,613,218 alleles (0.00019%); highest among the groups gnomAD compares: Middle Eastern, 0.017%; no homozygotes.

Submissions (2):

Labcorp Genetics (formerly Invitae), Labcorp
Classification: Uncertain significance. Last evaluated: 2024-10-26. Review status: criteria provided, single submitter. Criteria: Invitae Variant Classification Sherloc (09022015). Collection method: clinical testing. Allele origin: germline.
Comment: This sequence change replaces phenylalanine, which is neutral and non-polar, with leucine, which is neutral and non-polar, at codon 983 of the FBN3 protein (p.Phe983Leu). This variant is not present in population databases (gnomAD no frequency). This variant has not been reported in the literature in individuals affected with FBN3-related conditions. ClinVar contains an entry for this variant (Variation ID: 1978010). Invitae Evidence Modeling of protein sequence and biophysical properties (such as structural, functional, and spatial information, amino acid conservation, physicochemical variation, residue mobility, and thermodynamic stability) indicates that this missense variant is not expected to disrupt FBN3 protein function with a negative predictive value of 80%. In summary, the available evidence is currently insufficient to determine the role of this variant in disease. Therefore, it has been classified as a Variant of Uncertain Significance.

Ambry Genetics
Classification: Uncertain significance. Last evaluated: 2021-10-06. Review status: criteria provided, single submitter. Criteria: Ambry Variant Classification Scheme 2023. Collection method: clinical testing. Allele origin: germline.